The following is an entry in ClinVar:

NM_001378454.1(ALMS1):c.11204C>T (p.Ser3735Leu)

Gene: ALMS1 (ALMS1 centrosome and basal body associated protein; plus strand). Cytogenetic location: 2p13.1.
Variant type: single nucleotide variant.
Coding change: c.11204C>T on transcript NM_001378454.1 (MANE Select); coding-DNA position 11204, C replaced by T.
Protein change: p.Ser3735Leu; replaces serine 3735 with leucine.
Molecular consequence: missense variant.
Genome position (GRCh38, 1-based): chr2:73,573,081, C>T. VCF-style: chr2-73573081-C-T. GRCh37 (hg19) VCF-style: chr2-73800208-C-T.
Other names: c.11207C>T, p.Ser3736Leu (NM_015120.4); short protein forms S3736L, S3735L.
Identifiers: ClinVar variation 423794 (VCV000423794.10), dbSNP rs367877017, ClinGen allele CA1715135.

ClinVar aggregate classification (germline): Uncertain significance. Review status: criteria provided, multiple submitters, no conflicts (2 of 4 stars). 7 submissions from 7 submitters: Uncertain significance (5). 2 of the submissions do not count toward it. Last evaluated 2025-01-22.

Conditions:
Cardiovascular phenotype. Identifiers: MedGen CN230736.
Alstrom syndrome (ALMS). Identifiers: Orphanet 64, MedGen C0268425, MONDO:0008763, OMIM 203800.

Allele frequency attached by ClinVar (database versions not stated): gnomAD 0.00001 and 0.00002; TOPMed 0.00002; ExAC 0.00003; ESP Exome Variant Server 0.00008.
gnomAD v4.1: 37 of 1,613,914 alleles (0.0023%); highest among the groups gnomAD compares: Non-Finnish European, 0.003%; no homozygotes.

Submissions (7):

ARUP Laboratories, Molecular Genetics and Genomics, ARUP Laboratories
Classification: Uncertain significance for Alstrom syndrome. Last evaluated: 2025-01-22. Review status: criteria provided, single submitter. Criteria: ARUP Molecular Germline Variant Investigation Process 2024. Collection method: clinical testing. Allele origin: germline.
Comment: The ALMS1 c.11204C>T; p.Ser3735Leu variant (rs367877017), to our knowledge, is not reported in the medical literature but is reported in ClinVar (Variation ID: 423794). This variant is found in the general population with an overall allele frequency of 0.0020% (5/248302 alleles) in the Genome Aggregation Database (v2.1.1). Computational analyses predict that this variant is neutral (REVEL: 0.073). Due to limited information, the clinical significance of this variant is uncertain at this time.

Ambry Genetics
Classification: Uncertain significance for Cardiovascular phenotype. Last evaluated: 2023-01-23. Review status: criteria provided, single submitter. Criteria: Ambry Variant Classification Scheme 2023. Collection method: clinical testing. Allele origin: germline.
Comment: The p.S3736L variant (also known as c.11207C>T), located in coding exon 16 of the ALMS1 gene, results from a C to T substitution at nucleotide position 11207. The serine at codon 3736 is replaced by leucine, an amino acid with dissimilar properties. This amino acid position is well conserved in available vertebrate species. In addition, this alteration is predicted to be tolerated by in silico analysis. Since supporting evidence is limited at this time, the clinical significance of this alteration remains unclear.

Labcorp Genetics (formerly Invitae), Labcorp
Classification: Uncertain significance for Alstrom syndrome. Last evaluated: 2022-08-23. Review status: criteria provided, single submitter. Criteria: Invitae Variant Classification Sherloc (09022015). Collection method: clinical testing. Allele origin: germline.
Comment: This sequence change replaces serine with leucine at codon 3736 of the ALMS1 protein (p.Ser3736Leu). The serine residue is moderately conserved and there is a large physicochemical difference between serine and leucine. This variant is present in population databases (rs367877017, gnomAD 0.005%). This variant has not been reported in the literature in individuals affected with ALMS1-related conditions. ClinVar contains an entry for this variant (Variation ID: 423794). In summary, the available evidence is currently insufficient to determine the role of this variant in disease. Therefore, it has been classified as a Variant of Uncertain Significance.

Fulgent Genetics
Classification: Uncertain significance for Alstrom syndrome. Last evaluated: 2021-10-31. Review status: criteria provided, single submitter. Criteria: ACMG Guidelines, 2015. Collection method: clinical testing. Allele origin: unknown.

GeneDx
Classification: Uncertain significance. Last evaluated: 2017-02-27. Review status: criteria provided, single submitter. Criteria: GeneDx Variant Classification (06012015). Collection method: clinical testing. Allele origin: germline. Affected: yes.
Comment: The S3736L variant has not beenpublished as pathogenic or been reported as benign to our knowledge. It is not observed at a significant frequency inlarge population cohorts, and no homozygous individuals have been reported (Lek et al., 2016; 1000 GenomesConsortium et al., 2015; Exome Variant Server). In addition, the S3736L variant is a non-conservative amino acidsubstitution, which is likely to impact secondary protein structure as these residues differ in polarity, charge, sizeand/or other properties. However, this substitution occurs at a position that is not conserved across species, and insilico analysis is inconsistent in its predictions as to whether or not the variant is damaging to the proteinstructure/function. Lastly, while some missense variants have been reported in association with Alstrom syndrome,most pathogenic variants in ALMS1 reported to date are predicted to cause premature protein truncation (Marshall etal., 2012; Stenson et al., 2014).

Natera, Inc.
Classification: Uncertain significance for Alstrom syndrome. Last evaluated: 2020-04-23. Review status: no assertion criteria provided. Collection method: clinical testing. Allele origin: germline. Not counted in ClinVar's aggregate classification.

Counsyl
Classification: Uncertain significance for Alstrom syndrome. Last evaluated: 2017-02-24. Review status: no assertion criteria provided. Collection method: clinical testing. Allele origin: unknown. Not counted in ClinVar's aggregate classification.